The following is an entry in ClinVar:

NM_000245.4(MET):c.59A>G (p.Gln20Arg)

Gene: MET (MET proto-oncogene, receptor tyrosine kinase; plus strand). Cytogenetic location: 7q31.2.
Variant type: single nucleotide variant.
Coding change: c.59A>G on transcript NM_000245.4 (MANE Select); coding-DNA position 59, A replaced by G.
Protein change: p.Gln20Arg; replaces glutamine 20 with arginine.
Molecular consequence: missense variant. On other transcripts: intron variant (1).
Genome position (GRCh38, 1-based): chr7:116,699,143, A>G. VCF-style: chr7-116699143-A-G. GRCh37 (hg19) VCF-style: chr7-116339197-A-G.
Other names: c.59A>G, p.Gln20Arg (NM_001127500.3, NM_001324401.3); c.-91+26566A>G (NM_001324402.2); short protein forms Q20R.
Identifiers: ClinVar variation 3719571 (VCV003719571.3).

ClinVar aggregate classification (germline): Uncertain significance. Review status: criteria provided, multiple submitters, no conflicts (2 of 4 stars). 2 submissions from 2 submitters: Uncertain significance (2). Last evaluated 2025-03-27.

Conditions:
Renal cell carcinoma. Identifiers: Orphanet 217071, MedGen C0007134, MeSH D002292, MONDO:0005086, HP:0005584.
Hereditary cancer-predisposing syndrome. Also called: Tumor predisposition; Hereditary Cancer Syndrome; Hereditary neoplastic syndrome; Neoplastic Syndromes, Hereditary. Identifiers: Orphanet 140162, MedGen C0027672, MeSH D009386, MONDO:0015356.

gnomAD v4.1: 1 of 1,613,888 alleles (0.000062%); highest among the groups gnomAD compares: Non-Finnish European, 0.000085%; no homozygotes.

Submissions (2):

Ambry Genetics
Classification: Uncertain significance for Hereditary cancer-predisposing syndrome. Last evaluated: 2025-03-27. Review status: criteria provided, single submitter. Criteria: Ambry Variant Classification Scheme 2023. Collection method: clinical testing. Allele origin: germline.
Comment: The p.Q20R variant (also known as c.59A>G), located in coding exon 1 of the MET gene, results from an A to G substitution at nucleotide position 59. The glutamine at codon 20 is replaced by arginine, an amino acid with highly similar properties. This amino acid position is conserved. In addition, this alteration is predicted to be tolerated by in silico analysis. Based on the available evidence, the clinical significance of this variant remains unclear.

Labcorp Genetics (formerly Invitae), Labcorp
Classification: Uncertain significance for Renal cell carcinoma. Last evaluated: 2025-02-02. Review status: criteria provided, single submitter. Criteria: Invitae Variant Classification Sherloc (09022015). Collection method: clinical testing. Allele origin: germline.
Comment: This sequence change replaces glutamine, which is neutral and polar, with arginine, which is basic and polar, at codon 20 of the MET protein (p.Gln20Arg). This variant is not present in population databases (gnomAD no frequency). This variant has not been reported in the literature in individuals affected with MET-related conditions. Invitae Evidence Modeling of protein sequence and biophysical properties (such as structural, functional, and spatial information, amino acid conservation, physicochemical variation, residue mobility, and thermodynamic stability) indicates that this missense variant is not expected to disrupt MET protein function with a negative predictive value of 80%. In summary, the available evidence is currently insufficient to determine the role of this variant in disease. Therefore, it has been classified as a Variant of Uncertain Significance.